The following is an entry in ClinVar:

ClinVar aggregate classification (germline): Uncertain significance (1 of 4 stars; one submission).

Conditions:
Pitt-Hopkins-like syndrome 2 (PTHSL2). Identifiers: Orphanet 221150, Orphanet 600663, MedGen C3280479, MONDO:0013690, OMIM 614325.

gnomAD v4.1: 1 of 1,614,100 alleles (0.000062%); no homozygotes.

Submission:

Labcorp Genetics (formerly Invitae), Labcorp
Classification: Uncertain significance for Pitt-Hopkins-like syndrome 2. Last evaluated: 2018-11-08. Review status: criteria provided, single submitter. Criteria: Invitae Variant Classification Sherloc (09022015). Collection method: clinical testing. Allele origin: germline.
Comment: In summary, the available evidence is currently insufficient to determine the role of this variant in disease. Therefore, it has been classified as a Variant of Uncertain Significance. Algorithms developed to predict the effect of sequence changes on RNA splicing suggest that this variant may create or strengthen a splice site, but this prediction has not been confirmed by published transcriptional studies. This variant has not been reported in the literature in individuals with NRXN1-related disease. This variant is not present in population databases (ExAC no frequency). This sequence change falls in intron 20 of the NRXN1 gene. It does not directly change the encoded amino acid sequence of the NRXN1 protein.

NM_001330078.2(NRXN1):c.3718+8A>G

Gene: NRXN1 (neurexin 1; minus strand). Cytogenetic location: 2p16.3.
Variant type: single nucleotide variant.
Coding change: c.3718+8A>G on transcript NM_001330078.2 (MANE Select); 8 bases into the intron after coding-DNA position 3718, A replaced by G.
Molecular consequence: intron variant.
Genome position (GRCh38, 1-based): chr2:50,091,315, T>C on the plus strand (A>G on the coding strand, the complement: NRXN1 is on the minus strand). VCF-style: chr2-50091315-T-C. GRCh37 (hg19) VCF-style: chr2-50318453-T-C.
Other names: c.3607+8A>G (NM_001330096.2, NM_001330087.2); c.3652+8A>G (NM_001330083.2, NM_001330084.2); c.3637+8A>G (NM_001330088.2); c.3715+8A>G (NM_001330093.2); c.3706+8A>G (NM_001330094.2); c.3667+8A>G (NM_001330095.2); c.3694+8A>G (NM_001330082.2, NM_001330077.2); c.3691+8A>G (NM_001330085.2); and 3 more.
Identifiers: ClinVar variation 661366 (VCV000661366.8), dbSNP rs939526667, ClinGen allele CA47843128.